The following is an entry in ClinVar:

ClinVar aggregate classification (germline): Pathogenic (1 of 4 stars; one submission).

Submission:

Labcorp Genetics (formerly Invitae), Labcorp
Classification: Pathogenic. Last evaluated: 2022-07-01. Review status: criteria provided, single submitter. Criteria: Invitae Variant Classification Sherloc (09022015). Collection method: clinical testing. Allele origin: germline.
Comment: For these reasons, this variant has been classified as Pathogenic. This variant has not been reported in the literature in individuals affected with SZT2-related conditions. This variant is not present in population databases (gnomAD no frequency). This sequence change creates a premature translational stop signal (p.Val3108Alafs*10) in the SZT2 gene. It is expected to result in an absent or disrupted protein product. Loss-of-function variants in SZT2 are known to be pathogenic (PMID: 23932106, 27248490, 28556953).

Literature cited by the submitters: PubMed 23932106; PubMed 27248490; PubMed 28556953.

NM_001365999.1(SZT2):c.9494_9501del (p.Val3165fs)

Genes: SZT2 (SZT2 subunit of KICSTOR complex; plus strand), SZT2-AS1 (SZT2 antisense RNA 1; minus strand). Cytogenetic location: 1p34.2.
Variant type: Deletion.
Coding change: c.9494_9501del on transcript NM_001365999.1 (MANE Select); coding-DNA positions 9494 to 9501, 8 bases deleted (TGTCTCTG; older notation c.9494_9501delTGTCTCTG).
Protein change: p.Val3165fs; shifts the reading frame from valine 3165.
Molecular consequence: frameshift variant. On other transcripts: non-coding transcript variant (1).
Genome position (GRCh38, 1-based): chr1:43,447,902-43,447,909, TGTCTCTG deleted; deleting any 8 consecutive bases within chr1:43,447,900-43,447,909 gives the same sequence; the c. name uses the placement nearest the transcript's 3' end. VCF-style (leftmost placement, unchanged base first): chr1-43447899-ATGTGTCTC-A. GRCh37 (hg19) VCF-style: chr1-43913570-ATGTGTCTC-A.
Other names: c.9323_9330del, p.Val3108fs (NM_015284.4); c.935_942delTGTCTCTG, p.Val312Alafs (NM_024547.1); short protein forms V3108fs, V3165fs.
Identifiers: ClinVar variation 2012688 (VCV002012688.4), dbSNP rs2545868763, ClinGen allele CA2580062956.